The following is an entry in ClinVar:

ClinVar aggregate classification (germline): Likely benign (0 of 4 stars; one submission).

Conditions:
GAD1-related disorder. Also called: GAD1-related condition.

Allele frequency attached by ClinVar (database versions not stated): ExAC 0.00001; gnomAD 0.00001; gnomAD exomes 0.00003; TOPMed 0.00005.
gnomAD v4.1: 51 of 1,613,960 alleles (0.0032%); highest among the groups gnomAD compares: Admixed American, 0.005%; no homozygotes.

Submission:

PreventionGenetics, part of Exact Sciences
Classification: Likely benign for GAD1-related condition. Last evaluated: 2019-05-02. Review status: no assertion criteria provided. Collection method: clinical testing. Allele origin: germline.
Comment: This variant is classified as likely benign based on ACMG/AMP sequence variant interpretation guidelines (Richards et al. 2015 PMID: 25741868, with internal and published modifications).

NM_000817.3(GAD1):c.639-1458G>A

Gene: GAD1 (glutamate decarboxylase 1; plus strand). Cytogenetic location: 2q31.1.
Variant type: single nucleotide variant.
Coding change: c.639-1458G>A on transcript NM_000817.3 (MANE Select); 1458 bases into the intron before coding-DNA position 639, G replaced by A.
Molecular consequence: intron variant. On other transcripts: synonymous variant (1).
Genome position (GRCh38, 1-based): chr2:170,842,587, G>A. VCF-style: chr2-170842587-G-A. GRCh37 (hg19) VCF-style: chr2-171699097-G-A.
Other names: c.657G>A, p.Glu219= (NM_013445.4).
Identifiers: ClinVar variation 3058280 (VCV003058280.2), dbSNP rs747269862, ClinGen allele CA1962681.